The following is an entry in ClinVar:

NM_005045.4(RELN):c.5303G>A (p.Cys1768Tyr)

Gene: RELN (reelin; minus strand). Cytogenetic location: 7q22.1.
Variant type: single nucleotide variant.
Coding change: c.5303G>A on transcript NM_005045.4 (MANE Select); coding-DNA position 5303, G replaced by A.
Protein change: p.Cys1768Tyr; replaces cysteine 1768 with tyrosine.
Molecular consequence: missense variant.
Genome position (GRCh38, 1-based): chr7:103,561,861, C>T on the plus strand (G>A on the coding strand, the complement: RELN is on the minus strand). VCF-style: chr7-103561861-C-T. GRCh37 (hg19) VCF-style: chr7-103202308-C-T.
Other names: c.5303G>A, p.Cys1768Tyr (NM_173054.3); short protein forms C1768Y.
Identifiers: ClinVar variation 2080972 (VCV002080972.4), dbSNP rs1252850493, ClinGen allele CA368744439.

ClinVar aggregate classification (germline): Uncertain significance (1 of 4 stars; one submission).

Conditions:
Familial temporal lobe epilepsy 7. Identifiers: Orphanet 101046, MedGen C4225327, MONDO:0014639, OMIM 616436.
Norman-Roberts syndrome (LIS2). Also called: Lissencephaly 2 (Norman-Roberts type). Identifiers: Orphanet 89844, MedGen C0796089, MONDO:0009760, OMIM 257320.

Allele frequency attached by ClinVar (database versions not stated): gnomAD exomes below 0.00001; gnomAD 0.00001; TOPMed 0.00001.
gnomAD v4.1: 2 of 1,613,100 alleles (0.00012%); highest among the groups gnomAD compares: Non-Finnish European, 0.00017%; no homozygotes.

Submission:

Labcorp Genetics (formerly Invitae), Labcorp
Classification: Uncertain significance for Familial temporal lobe epilepsy 7; Norman-Roberts syndrome. Last evaluated: 2024-09-09. Review status: criteria provided, single submitter. Criteria: Invitae Variant Classification Sherloc (09022015). Collection method: clinical testing. Allele origin: germline.
Comment: This sequence change replaces cysteine, which is neutral and slightly polar, with tyrosine, which is neutral and polar, at codon 1768 of the RELN protein (p.Cys1768Tyr). This variant is not present in population databases (gnomAD no frequency). This variant has not been reported in the literature in individuals affected with RELN-related conditions. ClinVar contains an entry for this variant (Variation ID: 2080972). Invitae Evidence Modeling of protein sequence and biophysical properties (such as structural, functional, and spatial information, amino acid conservation, physicochemical variation, residue mobility, and thermodynamic stability) has been performed for this missense variant. However, the output from this modeling did not meet the statistical confidence thresholds required to predict the impact of this variant on RELN protein function. In summary, the available evidence is currently insufficient to determine the role of this variant in disease. Therefore, it has been classified as a Variant of Uncertain Significance.